The following is an entry in ClinVar:

NM_018474.6(KIZ):c.666_737del (p.Asp222_Glu245del)

Gene: KIZ (kizuna centrosomal protein; plus strand). Cytogenetic location: 20p11.23.
Variant type: Deletion.
Coding change: c.666_737del on transcript NM_018474.6 (MANE Select); coding-DNA positions 666 to 737, 72 bases deleted.
Protein change: p.Asp222_Glu245del.
Molecular consequence: inframe deletion.
Genome position (GRCh38, 1-based): chr20:21,162,131-21,162,202, 72 bases deleted. GRCh37 (hg19): chr20:21,142,772-21,142,843.
Other names: c.666_737del72 (NM_018474.5); c.666_737del (NM_018474.4); c.357_428del, p.Asp119_Glu142del (NM_001163022.3, NM_001352435.2); c.267_338del, p.Asp89_Glu112del (NM_001163023.3); c.519_590del, p.Asp173_Glu196del (NM_001276389.2); c.666_737del, p.Asp222_Glu245del (NM_001352434.2); c.324_395del, p.Asp108_Glu131del (NM_001352436.2).
Identifiers: ClinVar variation 788623 (VCV000788623.12), dbSNP rs1568932855, ClinGen allele CA9784688.

ClinVar aggregate classification (germline): Benign/Likely benign. Review status: criteria provided, multiple submitters, no conflicts (2 of 4 stars). 3 submissions from 3 submitters: Benign (1); Likely benign (2). Last evaluated 2026-01-13.

Conditions:
KIZ-related disorder. Also called: KIZ-related condition.

Submissions (3):

Labcorp Genetics (formerly Invitae), Labcorp
Classification: Likely benign. Last evaluated: 2026-01-13. Review status: criteria provided, single submitter. Criteria: Invitae Variant Classification Sherloc (09022015). Collection method: clinical testing. Allele origin: germline.

Blueprint Genetics
Classification: Benign. Last evaluated: 2024-11-11. Review status: criteria provided, single submitter. Criteria: ACMG Guidelines, 2015. Collection method: clinical testing. Allele origin: germline.

PreventionGenetics, part of Exact Sciences
Classification: Likely benign for KIZ-related condition. Last evaluated: 2024-10-13. Review status: criteria provided, single submitter. Criteria: ACMG Guidelines, 2015. Collection method: clinical testing. Allele origin: germline.
Comment: This variant is classified as likely benign based on ACMG/AMP sequence variant interpretation guidelines (Richards et al. 2015 PMID: 25741868, with internal and published modifications).